The following is an entry in ClinVar:

ClinVar aggregate classification (germline): Benign. Review status: criteria provided, multiple submitters, no conflicts (2 of 4 stars). 19 submissions from 18 submitters: Benign (13). 6 of the submissions do not count toward it. Last evaluated 2026-02-03.

Conditions:
Cardiovascular phenotype. Identifiers: MedGen CN230736.
Cardiomyopathy (CMYO). Also called: Cardiomyopathies. Identifiers: Orphanet 167848, MedGen C0878544, MONDO:0004994, HP:0001638. Inheritance: Various modes of inheritance.
Wolff-Parkinson-White pattern. Also called: WPW SYNDROME; Auriculoventricular accessory pathway syndrome; False bundle branch block syndrome; Anomalous ventricular excitation syndrome. Identifiers: MedGen C0043202, MONDO:0008685, OMIM 194200, HP:0001716.
Lethal congenital glycogen storage disease of heart. Also called: GLYCOGEN STORAGE DISEASE OF HEART; PHOSPHORYLASE KINASE DEFICIENCY OF HEART. Identifiers: Orphanet 439854, MedGen C1849813, MONDO:0009867, OMIM 261740.
Hypertrophic cardiomyopathy 6. Identifiers: MedGen C1833236, MONDO:0010946, OMIM 600858.
Hypertrophic cardiomyopathy. Also called: HYPERTROPHIC MYOCARDIOPATHY. Identifiers: Orphanet 217569, MedGen C0007194, MeSH D002312, MONDO:0005045, HP:0001639.

Allele frequency attached by ClinVar (database versions not stated): ExAC 0.00648; gnomAD 0.02043 and 0.02188; 1000 Genomes Project 0.02097; 1000 Genomes Project 30x 0.02249; TOPMed 0.02289; ESP Exome Variant Server 0.02414.
gnomAD v4.1: 6,028 of 1,610,382 alleles (0.37%); highest among the groups gnomAD compares: African/African-American, 6.9%; 210 homozygotes.

Submissions (19):

Labcorp Genetics (formerly Invitae), Labcorp
Classification: Benign for Lethal congenital glycogen storage disease of heart. Last evaluated: 2026-02-03. Review status: criteria provided, single submitter. Criteria: Invitae Variant Classification Sherloc (09022015). Collection method: clinical testing. Allele origin: germline.

ARUP Laboratories, Molecular Genetics and Genomics, ARUP Laboratories
Classification: Benign. Last evaluated: 2025-07-08. Review status: criteria provided, single submitter. Criteria: ARUP Molecular Germline Variant Investigation Process 2024. Collection method: clinical testing. Allele origin: germline.

Molecular Diagnostic Laboratory for Inherited Cardiovascular Disease, Montreal Heart Institute
Classification: Benign. Last evaluated: 2025-04-08. Review status: criteria provided, single submitter. Criteria: ACMG Guidelines, 2015. Collection method: clinical testing. Allele origin: germline. Affected: no.

All of Us Research Program, National Institutes of Health
Classification: Benign for Hypertrophic cardiomyopathy. Last evaluated: 2024-10-01. Review status: criteria provided, single submitter. Criteria: ACMG Guidelines, 2015. Collection method: clinical testing. Allele origin: germline. Inheritance: Autosomal dominant inheritance. Observed: 1,727 variant alleles, 1,683 heterozygotes, 43 homozygotes, 1 hemizygote.
Comment: This study involves interpretation of variants in research participants for the purpose of population health screening. Participant phenotype was not available at the time of variant classification. Additional details can be found in publication PMID: 35346344, PMCID: PMC8962531

Mayo Clinic Laboratories, Mayo Clinic
Classification: Benign. Last evaluated: 2023-03-10. Review status: criteria provided, single submitter. Criteria: ACMG Guidelines, 2015. Collection method: clinical testing. Allele origin: germline. Observed: 79 variant alleles.
Comment: BA1

Color Diagnostics, LLC DBA Color Health
Classification: Benign for Cardiomyopathy. Last evaluated: 2018-03-19. Review status: criteria provided, single submitter. Criteria: ACMG Guidelines, 2015. Collection method: clinical testing. Allele origin: germline.

Illumina Laboratory Services, Illumina
Classification: Benign for Hypertrophic cardiomyopathy 6. Last evaluated: 2018-01-13. Review status: criteria provided, single submitter. Criteria: ICSL Variant Classification Criteria 13 December 2019. Collection method: clinical testing. Allele origin: germline.
Comment: This variant was observed in the ICSL laboratory as part of a predisposition screen in an ostensibly healthy population. It had not been previously curated by ICSL or reported in the Human Gene Mutation Database (HGMD: prior to June 1st, 2018), and was therefore a candidate for classification through an automated scoring system. Utilizing variant allele frequency, disease prevalence and penetrance estimates, and inheritance mode, an automated score was calculated to assess if this variant is too frequent to cause the disease. Based on the score and internal cut-off values, a variant classified as benign is not then subjected to further curation. The score for this variant resulted in a classification of benign for this disease.

Illumina Laboratory Services, Illumina
Classification: Benign for Wolff-Parkinson-White pattern. Last evaluated: 2018-01-13. Review status: criteria provided, single submitter. Criteria: ICSL Variant Classification Criteria 13 December 2019. Collection method: clinical testing. Allele origin: germline.
Comment: the same text as in the submission from Illumina Laboratory Services, Illumina above.

CHEO Genetics Diagnostic Laboratory, Children's Hospital of Eastern Ontario
Classification: Benign for Cardiomyopathy. Last evaluated: 2015-11-18. Review status: criteria provided, single submitter. Criteria: ACMG Guidelines, 2015. Collection method: clinical testing. Allele origin: germline. Study: Canadian Open Genetics Repository.

GeneDx
Classification: Benign. Last evaluated: 2015-03-03. Review status: criteria provided, single submitter. Criteria: GeneDx Variant Classification Process June 2021. Collection method: clinical testing. Allele origin: germline. Affected: yes.

Ambry Genetics
Classification: Benign for Cardiovascular phenotype. Last evaluated: 2014-12-08. Review status: criteria provided, single submitter. Criteria: Ambry Variant Classification Scheme 2023. Collection method: clinical testing. Allele origin: germline.

Laboratory for Molecular Medicine, Mass General Brigham Personalized Medicine
Classification: Benign. Last evaluated: 2011-05-10. Review status: criteria provided, single submitter. Criteria: LMM Criteria. Collection method: clinical testing. Allele origin: germline. Observed: 78 variant alleles.

PreventionGenetics, part of Exact Sciences
Classification: Benign. Review status: criteria provided, single submitter. Criteria: ACMG Guidelines, 2015. Collection method: clinical testing. Allele origin: germline.

Cohesion Phenomics
Classification: Benign for Hypertrophic Cardiomyopathy. Last evaluated: 2022-09-29. Review status: no assertion criteria provided. Criteria: ACMG Guidelines, 2015. Collection method: clinical testing. Allele origin: germline. Affected: yes. Not counted in ClinVar's aggregate classification.

Clinical Genetics DNA and cytogenetics Diagnostics Lab, Erasmus MC, Erasmus Medical Center
Classification: Benign. Review status: no assertion criteria provided. Collection method: clinical testing. Allele origin: germline. Affected: yes. Study: VKGL Data-share Consensus. Not counted in ClinVar's aggregate classification.

Clinical Genetics, Academic Medical Center
Classification: Benign. Review status: no assertion criteria provided. Collection method: clinical testing. Allele origin: germline. Affected: yes. Study: VKGL Data-share Consensus. Not counted in ClinVar's aggregate classification.

Diagnostic Laboratory, Department of Genetics, University Medical Center Groningen
Classification: Likely benign. Review status: no assertion criteria provided. Collection method: clinical testing. Allele origin: germline. Affected: yes. Study: VKGL Data-share Consensus. Not counted in ClinVar's aggregate classification.

Genome Diagnostics Laboratory, University Medical Center Utrecht
Classification: Benign. Review status: no assertion criteria provided. Collection method: clinical testing. Allele origin: germline. Affected: yes. Study: VKGL Data-share Consensus. Not counted in ClinVar's aggregate classification.

Joint Genome Diagnostic Labs from Nijmegen and Maastricht, Radboudumc and MUMC+
Classification: Benign. Review status: no assertion criteria provided. Collection method: clinical testing. Allele origin: germline. Affected: yes. Study: VKGL Data-share Consensus. Not counted in ClinVar's aggregate classification.

NM_016203.4(PRKAG2):c.59G>T (p.Ser20Ile)

Gene: PRKAG2 (protein kinase AMP-activated non-catalytic subunit gamma 2; minus strand). Cytogenetic location: 7q36.1.
Variant type: single nucleotide variant.
Coding change: c.59G>T on transcript NM_016203.4 (MANE Select); coding-DNA position 59, G replaced by T.
Protein change: p.Ser20Ile; replaces serine 20 with isoleucine.
Molecular consequence: missense variant.
Genome position (GRCh38, 1-based): chr7:151,876,562, C>A on the plus strand (G>T on the coding strand, the complement: PRKAG2 is on the minus strand). VCF-style: chr7-151876562-C-A. GRCh37 (hg19) VCF-style: chr7-151573647-C-A.
Other names: short protein forms S20I.
Identifiers: ClinVar variation 45727 (VCV000045727.54), dbSNP rs116605521, ClinGen allele CA014413.
Genomic context (GRCh38, chr7:151,876,562, plus strand): 5'-CTCACCGGAATGTGCACGCGCAGCGAACGCCTCTTCTGGCTGGCATTTTTCTTGCCGCCG[C>A]TCCCGCCGGGGCTGGAAACATCTTTTTTCTTCTTGGTGTCCATAACCGCGCTTCCCATAA-3'
Protein context (NP_057287.2, residues 10-30): KKKDVSSPGG[Ser20Ile]GGKKNASQKR